The following is an entry in ClinVar:

ClinVar aggregate classification (germline): Uncertain significance. Review status: criteria provided, multiple submitters, no conflicts (2 of 4 stars). 3 submissions from 3 submitters: Uncertain significance (3). Last evaluated 2026-09-01.

Conditions:
Coffin-Siris syndrome 1 (CSS1). Also called: ARID1B-Related Coffin-Siris Syndrome; Mental retardation, autosomal dominant 12. Identifiers: Orphanet 1465, MedGen C3281201, MONDO:0007617, OMIM 135900. Disease mechanism: gain of function.

gnomAD v4.1: 12 of 1,614,130 alleles (0.00074%); highest among the groups gnomAD compares: South Asian, 0.0011%; no homozygotes.

Submissions (3):

CeGaT Center for Human Genetics Tuebingen
Classification: Uncertain significance. Last evaluated: 2026-09-01. Review status: criteria provided, single submitter. Criteria: CeGaT Center For Human Genetics Tuebingen Variant Classification Criteria Version 2. Collection method: clinical testing. Allele origin: germline. Affected: yes. Observed: 1 variant allele.
Comment: ARID1B: PM2:Supporting, BP4

Genomic Medicine Center of Excellence, King Faisal Specialist Hospital and Research Centre
Classification: Uncertain significance for Coffin-Siris syndrome 1. Last evaluated: 2024-12-19. Review status: criteria provided, single submitter. Criteria: ACMG Guidelines, 2015. Collection method: clinical testing. Allele origin: germline.

GeneDx
Classification: Uncertain significance. Last evaluated: 2024-06-06. Review status: criteria provided, single submitter. Criteria: GeneDx Variant Classification Process June 2021. Collection method: clinical testing. Allele origin: germline. Affected: yes.
Comment: In silico analysis supports that this missense variant has a deleterious effect on protein structure/function; Has not been previously published as pathogenic or benign to our knowledge

NM_001374828.1(ARID1B):c.4171G>A (p.Asp1391Asn)

Gene: ARID1B (AT-rich interaction domain 1B; plus strand). Cytogenetic location: 6q25.3.
Variant type: single nucleotide variant.
Coding change: c.4171G>A on transcript NM_001374828.1 (MANE Select); coding-DNA position 4171, G replaced by A.
Protein change: p.Asp1391Asn; replaces aspartic acid 1391 with asparagine.
Molecular consequence: missense variant.
Genome position (GRCh38, 1-based): chr6:157,190,150, G>A. VCF-style: chr6-157190150-G-A. GRCh37 (hg19) VCF-style: chr6-157511284-G-A.
Other names: c.1672G>A, p.Asp558Asn (NM_001363725.2); c.4051G>A, p.Asp1351Asn (NM_001371656.1, NM_001374820.1); c.4012G>A, p.Asp1338Asn (NM_017519.3); c.3802G>A (NM_020732.3); short protein forms D1338N, D1351N, D1391N, D558N.
Identifiers: ClinVar variation 3384431 (VCV003384431.3).